The following is an entry in ClinVar:

NM_001042750.2(STAG2):c.1136C>A (p.Thr379Asn)

Gene: STAG2 (STAG2 cohesin complex component; plus strand). Cytogenetic location: Xq25.
Variant type: single nucleotide variant.
Coding change: c.1136C>A on transcript NM_001042750.2 (MANE Select); coding-DNA position 1136, C replaced by A.
Protein change: p.Thr379Asn; replaces threonine 379 with asparagine.
Molecular consequence: missense variant.
Genome position (GRCh38, 1-based): chrX:124,051,334, C>A. VCF-style: chrX-124051334-C-A. GRCh37 (hg19) VCF-style: chrX-123185184-C-A.
Other names: c.1136C>A, p.Thr379Asn (NM_001042749.2, NM_001042751.2, NM_001282418.2 and 13 more transcripts); short protein forms T379N.
Identifiers: ClinVar variation 3962891 (VCV003962891.1).

ClinVar aggregate classification (germline): Uncertain significance (1 of 4 stars; one submission).

Conditions:
Inborn genetic diseases. Identifiers: MedGen C0950123, MeSH D030342.

Submission:

Ambry Genetics
Classification: Uncertain significance for Inborn genetic diseases. Last evaluated: 2025-05-19. Review status: criteria provided, single submitter. Criteria: Ambry Variant Classification Scheme 2023. Collection method: clinical testing. Allele origin: germline.
Comment: The c.1136C>A (p.T379N) alteration is located in exon 13 (coding exon 11) of the STAG2 gene. This alteration results from a C to A substitution at nucleotide position 1136, causing the threonine (T) at amino acid position 379 to be replaced by an asparagine (N). This variant was not reported in population-based cohorts in the Genome Aggregation Database (gnomAD). This amino acid position is highly conserved in available vertebrate species. This alteration is predicted to be tolerated by in silico analysis. Based on insufficient or conflicting evidence, the clinical significance of this alteration remains unclear.